The following is an entry in ClinVar:

NM_000444.6(PHEX):c.1053_1077dup (p.Lys360Ter)

Gene: PHEX (phosphate regulating endopeptidase X-linked; plus strand). Cytogenetic location: Xp22.11.
Variant type: Duplication.
Coding change: c.1053_1077dup on transcript NM_000444.6 (MANE Select); coding-DNA positions 1053 to 1077, 25 bases duplicated (TAGGATATTAGGGTCTGAGAGAAAG).
Protein change: p.Lys360Ter; replaces lysine 360 with a stop codon.
Molecular consequence: nonsense.
Genome position (GRCh38, 1-based): chrX:22,099,125-22,099,149, TAGGATATTAGGGTCTGAGAGAAAG duplicated. VCF-style (leftmost placement, unchanged base first): chrX-22099124-T-TTAGGATATTAGGGTCTGAGAGAAAG. GRCh37 (hg19) VCF-style: chrX-22117242-T-TTAGGATATTAGGGTCTGAGAGAAAG.
Other names: c.1053_1077dup, p.Lys360Ter (NM_001282754.2); short protein forms K360*.
Identifiers: ClinVar variation 1388830 (VCV001388830.6), dbSNP rs2147047519, ClinGen allele CA2573158759.

ClinVar aggregate classification (germline): Pathogenic (1 of 4 stars; one submission).

Submission:

Labcorp Genetics (formerly Invitae), Labcorp
Classification: Pathogenic. Last evaluated: 2023-08-31. Review status: criteria provided, single submitter. Criteria: Invitae Variant Classification Sherloc (09022015). Collection method: clinical testing. Allele origin: germline.
Comment: This sequence change creates a premature translational stop signal (p.Lys360*) in the PHEX gene. It is expected to result in an absent or disrupted protein product. Loss-of-function variants in PHEX are known to be pathogenic (PMID: 9097956, 9106524, 19219621). This variant is not present in population databases (gnomAD no frequency). For these reasons, this variant has been classified as Pathogenic. ClinVar contains an entry for this variant (Variation ID: 1388830). This variant has not been reported in the literature in individuals affected with PHEX-related conditions.

Literature cited by the submitters: PubMed 9097956; PubMed 9106524; PubMed 19219621.